The following is an entry in ClinVar:

ClinVar aggregate classification (germline): Uncertain significance (1 of 4 stars; one submission).

Allele frequency attached by ClinVar (database versions not stated): gnomAD exomes below 0.00001.
gnomAD v4.1: 1 of 1,211,607 alleles (0.000083%); highest among the groups gnomAD compares: Non-Finnish European, 0.00011%; no homozygotes.

Submission:

Labcorp Genetics (formerly Invitae), Labcorp
Classification: Uncertain significance. Last evaluated: 2021-07-22. Review status: criteria provided, single submitter. Criteria: Invitae Variant Classification Sherloc (09022015). Collection method: clinical testing. Allele origin: germline.
Comment: In summary, the available evidence is currently insufficient to determine the role of this variant in disease. Therefore, it has been classified as a Variant of Uncertain Significance. Algorithms developed to predict the effect of missense changes on protein structure and function are either unavailable or do not agree on the potential impact of this missense change (SIFT: "Tolerated"; PolyPhen-2: "Not Available"; Align-GVGD: "Class C0"). This variant has not been reported in the literature in individuals affected with DDX3X-related conditions. This variant is not present in population databases (ExAC no frequency). This sequence change replaces asparagine with serine at codon 155 of the DDX3X protein (p.Asn155Ser). The asparagine residue is moderately conserved and there is a small physicochemical difference between asparagine and serine.

NM_001356.5(DDX3X):c.464A>G (p.Asn155Ser)

Gene: DDX3X (DEAD-box helicase 3 X-linked; plus strand). Cytogenetic location: Xp11.4.
Variant type: single nucleotide variant.
Coding change: c.464A>G on transcript NM_001356.5 (MANE Select); coding-DNA position 464, A replaced by G.
Protein change: p.Asn155Ser; replaces asparagine 155 with serine.
Molecular consequence: missense variant. On other transcripts: 5 prime UTR variant (1), non-coding transcript variant (1).
Genome position (GRCh38, 1-based): chrX:41,342,757, A>G. VCF-style: chrX-41342757-A-G. GRCh37 (hg19) VCF-style: chrX-41202010-A-G.
Other names: c.464A>G, p.Asn155Ser (NM_001193416.3); c.416A>G, p.Asn139Ser (NM_001193417.3); c.-95A>G (NM_001363819.1); short protein forms N139S, N155S.
Identifiers: ClinVar variation 1369134 (VCV001369134.8), dbSNP rs2147350829, ClinGen allele CA412766990.
Genomic context (GRCh38, chrX:41,342,757, plus strand): 5'-GCTAGTATAACAAATGAACTTATCCATTTTTTGATTTGAGGGAACTCTTTTCTGGAGGCA[A>G]CACTGGGATTAATTTTGAGAAATACGATGACATTCCAGTTGAGGCAACAGGCAACAACTG-3'
Protein context (NP_001347.3, residues 145-165): RLEQELFSGG[Asn155Ser]TGINFEKYDD